The following is an entry in ClinVar:

ClinVar aggregate classification (germline): Likely pathogenic (1 of 4 stars; one submission).

Conditions:
Gaucher disease. Also called: Acute cerebral Gaucher disease; Cerebroside lipidosis syndrome; Gaucher splenomegaly; Sphingolipidosis 1; Glucocerebrosidosis; Glucosylceramidase deficiency. Identifiers: Orphanet 355, MedGen C0017205, MONDO:0018150.

gnomAD v4.1: 2 of 1,614,200 alleles (0.00012%); highest among the groups gnomAD compares: Non-Finnish European, 0.00017%; no homozygotes.

Submission:

Natera, Inc.
Classification: Likely pathogenic for Gaucher disease. Last evaluated: 2024-10-04. Review status: criteria provided, single submitter. Criteria: Natera Variant Classification Schema (03/2026). Collection method: clinical testing. Allele origin: germline.
Comment: The c.1141T>C variant in GBA1 is a missense variant predicted to cause substitution of cysteine to arginine at amino acid 381. This variant is rare in the general population with a frequency below the threshold expected for the associated phenotype(s). This variant has been observed in one or more individuals affected with the associated recessive disease, as either homozygous or compound heterozygous with a second variant (PMID: 33301762, 12000368). A different variant at the same position has been determined to be Pathogenic or Likely Pathogenic. Computational prediction algorithms indicate this variant is likely to affect gene or protein function. Given the available evidence, this variant is classified as Likely Pathogenic.

Literature cited by the submitters: PubMed 33301762; PubMed 12000368.

NM_000157.4(GBA1):c.1141T>C (p.Cys381Arg)

Genes: GBA1 (glucosylceramidase beta 1; minus strand), LOC106627981 (GBA recombination region; plus strand). Cytogenetic location: 1q22.
Variant type: single nucleotide variant.
Coding change: c.1141T>C on transcript NM_000157.4 (MANE Select); coding-DNA position 1141, T replaced by C.
Protein change: p.Cys381Arg; replaces cysteine 381 with arginine.
Molecular consequence: missense variant.
Genome position (GRCh38, 1-based): chr1:155,236,328, A>G on the plus strand (T>C on the coding strand, the complement: GBA1 is on the minus strand). VCF-style: chr1-155236328-A-G. GRCh37 (hg19) VCF-style: chr1-155206119-A-G.
Other names: c.1141T>C, p.Cys381Arg (NM_001005741.3, NM_001005742.3); c.880T>C, p.Cys294Arg (NM_001171811.2); c.994T>C, p.Cys332Arg (NM_001171812.2); short protein forms C294R, C332R, C381R.
Identifiers: ClinVar variation 4817676 (VCV004817676.1).